The following is an entry in ClinVar:

NM_007294.4(BRCA1):c.5333-2A>G

Gene: BRCA1 (BRCA1 DNA repair associated; minus strand). Cytogenetic location: 17q21.31.
Variant type: single nucleotide variant.
Coding change: c.5333-2A>G on transcript NM_007294.4 (MANE Select); the canonical splice acceptor site of the intron before coding-DNA position 5333, A replaced by G.
Molecular consequence: splice acceptor variant. On other transcripts: intron variant (19).
Genome position (GRCh38, 1-based): chr17:43,049,196, T>C on the plus strand (A>G on the coding strand, the complement: BRCA1 is on the minus strand). VCF-style: chr17-43049196-T-C. GRCh37 (hg19) VCF-style: chr17-41201213-T-C.
Other names: c.5207-2A>G (NM_001407677.1, NM_001407671.1, NM_001407676.1 and 8 more transcripts); c.5155-1493A>G (NM_001407919.1); c.5210-1493A>G (NM_001407937.1, NM_001407938.1); c.5210-2A>G (NM_001407669.1, NM_001407667.1, NM_001407665.1 and 3 more transcripts); c.2021-2A>G (NM_001407979.1, NM_001407982.1, NM_001407985.1 and 10 more transcripts); c.2024-2A>G (NM_001407977.1, NM_001407976.1, NM_001407974.1 and 3 more transcripts); c.5327-2A>G (NM_001407642.1, NM_001407634.1, NM_001407627.1 and 13 more transcripts); c.5330-2A>G (NM_001407625.1, NM_001407619.1, NM_001407610.1 and 14 more transcripts); and 84 more.
Identifiers: ClinVar variation 449937 (VCV000449937.12), dbSNP rs397509264, ClinGen allele CA10590803.

ClinVar aggregate classification (germline): Pathogenic/Likely pathogenic. Review status: criteria provided, multiple submitters, no conflicts (2 of 4 stars). 3 submissions from 3 submitters: Pathogenic (2); Likely pathogenic (1). Last evaluated 2025-04-08.

Conditions:
Hereditary cancer-predisposing syndrome. Also called: Neoplastic Syndromes, Hereditary; Hereditary neoplastic syndrome; Tumor predisposition; Hereditary Cancer Syndrome. Identifiers: Orphanet 140162, MedGen C0027672, MeSH D009386, MONDO:0015356.
Hereditary breast ovarian cancer syndrome. Also called: Hereditary breast and ovarian cancer syndrome (HBOC); BRCA1- and BRCA2-Associated Hereditary Breast and Ovarian Cancer; Hereditary breast and/or ovarian cancer syndrome; Hereditary breast and ovarian cancer syndrome; Hereditary breast and ovarian cancer; Breast and ovarian cancer. Identifiers: Orphanet 145, MedGen C0677776, MeSH D061325, MONDO:0003582. Disease mechanism: loss of function.

Submissions (4):

Labcorp Genetics (formerly Invitae), Labcorp
Classification: Pathogenic for Hereditary breast ovarian cancer syndrome. Last evaluated: 2025-04-08. Review status: criteria provided, single submitter. Criteria: Invitae Variant Classification Sherloc (09022015). Collection method: clinical testing. Allele origin: germline.
Comment: This sequence change affects an acceptor splice site in intron 20 of the BRCA1 gene. It is expected to disrupt RNA splicing. Variants that disrupt the donor or acceptor splice site typically lead to a loss of protein function (PMID: 16199547), and loss-of-function variants in BRCA1 are known to be pathogenic (PMID: 20104584). This variant is not present in population databases (gnomAD no frequency). Disruption of this splice site has been observed in individual(s) with breast cancer and/or ovarian cancer (PMID: 30982232, 31742824). ClinVar contains an entry for this variant (Variation ID: 449937). Algorithms developed to predict the effect of variants on gene product structure and function are not available or were not evaluated for this variant. Experimental studies have shown that disruption of this splice site affects BRCA1 function (PMID: 30209399). Algorithms developed to predict the effect of sequence changes on RNA splicing suggest that this variant may disrupt the consensus splice site. For these reasons, this variant has been classified as Pathogenic.

Ambry Genetics
Classification: Pathogenic for Hereditary cancer-predisposing syndrome. Last evaluated: 2024-10-10. Review status: criteria provided, single submitter. Criteria: Ambry Variant Classification Scheme 2023. Collection method: clinical testing. Allele origin: germline.
Comment: The c.5333-2A>G intronic pathogenic mutation results from an A to G substitution two nucleotides upstream from coding exon 20 in the BRCA1 gene. This alteration occurs at the 3' terminus of the BRCA1 gene, is not expected to trigger nonsense-mediated mRNA decay, and only impacts the last 4.7% of the protein. The exact functional effect of this alteration is unknown; however, the impacted region is critical for protein function (Ambry internal data). One functional study found that this nucleotide substitution is non-functional in a high throughput genome editing haploid cell survival assay (Findlay GM et al. Nature, 2018 Oct;562:217-222). This variant is considered to be rare based on population cohorts in the Genome Aggregation Database (gnomAD). This nucleotide position is highly conserved in available vertebrate species. In silico splice site analysis predicts that this alteration will weaken the native splice acceptor site. Based on the supporting evidence, this variant is interpreted as a disease-causing mutation.

GeneDx
Classification: Likely pathogenic. Last evaluated: 2017-04-17. Review status: criteria provided, single submitter. Criteria: GeneDx Variant Classification (06012015). Collection method: clinical testing. Allele origin: germline. Affected: yes.
Comment: This variant is denoted BRCA1 c.5333-2A>G or IVS20-2A>G and consists of an A>G nucleotide substitution at the -2 position of intron 20 of the BRCA1 gene. Using alternate nomenclature, this variant would be defined as BRCA1 5452-2A>G. This variant destroys a canonical splice acceptor site and is predicted to cause abnormal gene splicing, leading to either an abnormal message that is subject to nonsense-mediated mRNA decay or to an abnormal protein product. BRCA1 c.5333-2A>G has not, to our knowledge, been reported as a germline variant. However, other variants at the same splice acceptor site have been reported in association with breast and ovarian cancer (Gadzicki 2009, Kim 2012, Wappenschmidt 2012). Based on the current evidence, we consider BRCA1 c.5333-2A>G to be likely pathogenic.

Brotman Baty Institute, University of Washington
No classification provided (evidence only). Condition: Breast-ovarian cancer, familial 1. Review status: no classification provided. Collection method: in vitro. Allele origin: not applicable. Functional consequence: functionally_abnormal. Not counted in ClinVar's aggregate classification.
ClinVar note: "not provided" was previously submitted as the classification for the variant. However, the classification appeared to be based only on an observation of functional data so it was converted to no classification on 2025-07-30.

Literature cited by the submitters: PubMed 16199547 (cited by Labcorp Genetics (formerly Invitae), Labcorp); PubMed 20104584 (cited by Labcorp Genetics (formerly Invitae), Labcorp); PubMed 30982232 (cited by Labcorp Genetics (formerly Invitae), Labcorp); PubMed 31742824 (cited by Labcorp Genetics (formerly Invitae), Labcorp); PubMed 30209399 (cited by Labcorp Genetics (formerly Invitae), Labcorp and Ambry Genetics).